The following is an entry in ClinVar:

NM_015259.6(ICOSLG):c.56-13T>G

Gene: ICOSLG (inducible T cell costimulator ligand; minus strand). Cytogenetic location: 21q22.3.
Variant type: single nucleotide variant.
Coding change: c.56-13T>G on transcript NM_015259.6 (MANE Select); 13 bases into the intron before coding-DNA position 56, T replaced by G.
Molecular consequence: intron variant.
Genome position (GRCh38, 1-based): chr21:44,237,230, A>C on the plus strand (T>G on the coding strand, the complement: ICOSLG is on the minus strand). VCF-style: chr21-44237230-A-C. GRCh37 (hg19) VCF-style: chr21-45657113-A-C.
Other names: c.55+1218T>G (NM_001283051.2); c.-48-165T>G (NM_001283052.2); c.56-13T>G (NM_001283050.2, NM_001395918.1); c.-26-13T>G (NM_001365759.2).
Identifiers: ClinVar variation 4692557 (VCV004692557.1).
Genomic context (GRCh38, chr21:44,237,230, plus strand): 5'-GCTCCACGTCGCTGCCTACCATCGCTCTGACTTCCTTCTCCTGAGTATCTGCAATGGCCC[A>C]AAAGGTGCAAAATCTGTTTTCGGAGGCTGATGCCCAGGCCATGAAGCTACTCTATGGGGC-3'

ClinVar aggregate classification (germline): Uncertain significance (1 of 4 stars; one submission).

Submission:

Labcorp Genetics (formerly Invitae), Labcorp
Classification: Uncertain significance. Last evaluated: 2026-01-23. Review status: criteria provided, single submitter. Criteria: Invitae Variant Classification Sherloc (09022015). Collection method: clinical testing. Allele origin: germline.
Comment: This sequence change falls in intron 2 of the ICOSLG gene. It does not directly change the encoded amino acid sequence of the ICOSLG protein. This variant is present in population databases (rs201801985, gnomAD 0.002%). This variant has not been reported in the literature in individuals affected with ICOSLG-related conditions. Algorithms developed to predict the effect of sequence changes on RNA splicing suggest that this variant may disrupt the consensus splice site. In summary, the available evidence is currently insufficient to determine the role of this variant in disease. Therefore, it has been classified as a Variant of Uncertain Significance.